The following is an entry in ClinVar:

NM_001378969.1(KCND3):c.1044C>T (p.Ala348=)

Gene: KCND3 (potassium voltage-gated channel subfamily D member 3; minus strand). Cytogenetic location: 1p13.2.
Variant type: single nucleotide variant.
Coding change: c.1044C>T on transcript NM_001378969.1 (MANE Select); coding-DNA position 1044, C replaced by T.
Protein change: p.Ala348=; no amino-acid change (alanine 348 retained).
Molecular consequence: synonymous variant.
Genome position (GRCh38, 1-based): chr1:111,981,683, G>A on the plus strand (C>T on the coding strand, the complement: KCND3 is on the minus strand). VCF-style: chr1-111981683-G-A. GRCh37 (hg19) VCF-style: chr1-112524305-G-A.
Other names: p.Ala348=; c.1044C>T, p.Ala348= (NM_001378970.1, NM_004980.5, NM_172198.3).
Identifiers: ClinVar variation 3532197 (VCV003532197.4).

ClinVar aggregate classification (germline): Likely benign. Review status: criteria provided, multiple submitters, no conflicts (2 of 4 stars). 4 submissions from 4 submitters: Likely benign (4). Last evaluated 2026-07-01.

Conditions:
Cardiovascular phenotype. Identifiers: MedGen CN230736.
Spinocerebellar ataxia type 19/22 (SCA19). Also called: SPINOCEREBELLAR ATAXIA 19; SPINOCEREBELLAR ATAXIA 22. Identifiers: Orphanet 98772, MedGen C1846367, MONDO:0011819, OMIM 607346.

gnomAD v4.1: 5 of 1,614,150 alleles (0.00031%); highest among the groups gnomAD compares: Middle Eastern, 0.016%; no homozygotes.

Submissions (4):

CeGaT Center for Human Genetics Tuebingen
Classification: Likely benign. Last evaluated: 2026-07-01. Review status: criteria provided, single submitter. Criteria: CeGaT Center For Human Genetics Tuebingen Variant Classification Criteria Version 2. Collection method: clinical testing. Allele origin: germline. Affected: yes. Observed: 1 variant allele.
Comment: KCND3: BP4

Labcorp Genetics (formerly Invitae), Labcorp
Classification: Likely benign for Spinocerebellar ataxia type 19/22. Last evaluated: 2025-09-10. Review status: criteria provided, single submitter. Criteria: Invitae Variant Classification Sherloc (09022015). Collection method: clinical testing. Allele origin: germline.

Mayo Clinic Laboratories, Mayo Clinic
Classification: Likely benign. Last evaluated: 2025-06-10. Review status: criteria provided, single submitter. Criteria: ACMG Guidelines, 2015. Collection method: clinical testing. Allele origin: germline. Observed: 1 variant allele.
Comment: BP4, BP7, PM2_supporting

Ambry Genetics
Classification: Likely benign for Cardiovascular phenotype. Last evaluated: 2024-07-07. Review status: criteria provided, single submitter. Criteria: Ambry Variant Classification Scheme 2023. Collection method: clinical testing. Allele origin: germline.